The following is an entry in ClinVar:

ClinVar aggregate classification (germline): Pathogenic/Likely pathogenic. Review status: criteria provided, multiple submitters, no conflicts (2 of 4 stars). 4 submissions from 4 submitters: Pathogenic (1); Likely pathogenic (3). Last evaluated 2026-10-20.

Conditions:
RYR2-related disorder. Also called: RYR2-related condition.
Catecholaminergic polymorphic ventricular tachycardia 1. Also called: VENTRICULAR TACHYCARDIA, STRESS-INDUCED POLYMORPHIC 1; VENTRICULAR TACHYCARDIA, CATECHOLAMINERGIC POLYMORPHIC, 1, WITH OR WITHOUT ATRIAL DYSFUNCTION AND/OR DILATED CARDIOMYOPATHY; RYR2-Related Catecholaminergic Polymorphic Ventricular Tachycardia. Identifiers: Orphanet 3286, MedGen C1631597, MONDO:0011484, OMIM 604772.
Catecholaminergic polymorphic ventricular tachycardia (CVPT). Also called: Catecholamine-induced polymorphic ventricular tachycardia. Identifiers: Orphanet 3286, MedGen C5574922, MONDO:0017990.

Submissions (4):

GeneDx
Classification: Likely pathogenic. Last evaluated: 2026-10-20. Review status: criteria provided, single submitter. Criteria: GeneDx Variant Classification Process June 2021. Collection method: clinical testing. Allele origin: germline.
Comment: Not observed at significant frequency in large population cohorts (gnomAD); In silico analysis supports that this missense variant has a deleterious effect on protein structure/function; Located in one of the three hot-spot regions of the RYR2 gene, where the majority of pathogenic missense variants occur (PMID: 19926015); This variant is associated with the following publications: (PMID: 29434162, 26114861, 32152366, 34697415, 23595086, 35135837, 37291213, 29453246, 41862648, 19926015)

Blueprint Genetics
Classification: Likely pathogenic for RYR2-related disorders. Last evaluated: 2024-10-16. Review status: criteria provided, single submitter. Criteria: ACMG Guidelines, 2015. Collection method: clinical testing. Allele origin: germline. Affected: yes. Observed: 1 variant allele.

Victorian Clinical Genetics Services, Murdoch Childrens Research Institute
Classification: Pathogenic for Catecholaminergic polymorphic ventricular tachycardia 1. Last evaluated: 2024-10-11. Review status: criteria provided, single submitter. Criteria: ACMG Guidelines, 2015. Collection method: clinical testing. Allele origin: germline. Inheritance: Autosomal dominant inheritance. Affected: yes.
Comment: Based on the classification scheme VCGS_Germline_v1.3.5, this variant is classified as Pathogenic. Following criteria are met: 0103 - Dominant negative and gain of function are known mechanisms of disease in this gene and are associated with catecholaminergic polymorphic ventricular tachycardia 1 (MIM#604772) and left ventricular non-compaction (PMIDs: 12459180, 27646203, 29477366, 31875585, 33500567). Loss of function has been reported for ventricular arrhythmias due to cardiac ryanodine receptor calcium release deficiency syndrome (MIM#115000), however dominant negative mechanism has not been excluded (PMID: 33536282). (I) 0107 - This gene is associated with autosomal dominant disease. (I) 0112 - The condition associated with this gene has incomplete penetrance. Penetrance for CPVT is estimated to be 60-70% (PMID: 23549275). (I) 0200 - Variant is predicted to result in a missense amino acid change from tyrosine to cysteine. (I) 0251 - This variant is heterozygous. (I) 0301 - Variant is absent from gnomAD (v2, v3 and v4). (SP) 0501 - Missense variant consistently predicted to be damaging by multiple in silico tools and highly conserved with a major amino acid change. (SP) 0600 - Variant is located in the annotated ion transport domain (NCBI). (I) 0703 - Other missense variants comparable to the one identified in this case have moderate previous evidence for pathogenicity. Two alternative changes at the same residue, to asparagine and histidine, have previously been classified as likely pathogenic (ClinVar, LOVD). (SP) 0802 - This variant has moderate previous evidence of pathogenicity in unrelated individuals. The variant has previously been reported once as likely pathogenic (ClinVar) and in at least two individuals with catecholaminergic polymorphic ventricular tachycardia 1 (MIM#604772), one of whom was shown to be de novo (HGMD, PMIDs: 23595086, 26114861, 29434162, 29453246). (SP) 0905 - No published segregation evidence has been identified for this variant. (I) 1007 - No published functional evidence has been identified for this variant. (SP) Legend: (SP) - Supporting pathogenic, (I) - Information, (SB) - Supporting benign

Labcorp Genetics (formerly Invitae), Labcorp
Classification: Likely pathogenic for Catecholaminergic polymorphic ventricular tachycardia 1. Last evaluated: 2021-09-01. Review status: criteria provided, single submitter. Criteria: Invitae Variant Classification Sherloc (09022015). Collection method: clinical testing. Allele origin: germline.

Literature cited by the submitters: PubMed 12459180 (cited by Victorian Clinical Genetics Services, Murdoch Childrens Research Institute); PubMed 23549275 (cited by Victorian Clinical Genetics Services, Murdoch Childrens Research Institute); PubMed 23595086 (cited by Victorian Clinical Genetics Services, Murdoch Childrens Research Institute); PubMed 26114861 (cited by Victorian Clinical Genetics Services, Murdoch Childrens Research Institute); PubMed 27646203 (cited by Victorian Clinical Genetics Services, Murdoch Childrens Research Institute); PubMed 29434162 (cited by Victorian Clinical Genetics Services, Murdoch Childrens Research Institute); PubMed 29453246 (cited by Victorian Clinical Genetics Services, Murdoch Childrens Research Institute); PubMed 29477366 (cited by Victorian Clinical Genetics Services, Murdoch Childrens Research Institute); PubMed 31875585 (cited by Victorian Clinical Genetics Services, Murdoch Childrens Research Institute); PubMed 33500567 (cited by Victorian Clinical Genetics Services, Murdoch Childrens Research Institute); PubMed 33536282 (cited by Victorian Clinical Genetics Services, Murdoch Childrens Research Institute).

NM_001035.3(RYR2):c.14174A>G (p.Tyr4725Cys)

Gene: RYR2 (ryanodine receptor 2; plus strand). Cytogenetic location: 1q43.
Variant type: single nucleotide variant.
Coding change: c.14174A>G on transcript NM_001035.3 (MANE Select); coding-DNA position 14174, A replaced by G.
Protein change: p.Tyr4725Cys; replaces tyrosine 4725 with cysteine.
Molecular consequence: missense variant.
Genome position (GRCh38, 1-based): chr1:237,806,159, A>G. VCF-style: chr1-237806159-A-G. GRCh37 (hg19) VCF-style: chr1-237969459-A-G.
Other names: c.14174A>G (NM_001035.2); short protein forms Y4725C.
Identifiers: ClinVar variation 1067931 (VCV001067931.13), dbSNP rs2149437479, ClinGen allele CA345422692.